The following is an entry in ClinVar:

NM_001267550.2(TTN):c.90409C>T (p.Pro30137Ser)

Genes: TTN (titin; minus strand), TTN-AS1 (TTN antisense RNA 1; plus strand). Cytogenetic location: 2q31.2.
Variant type: single nucleotide variant.
Coding change: c.90409C>T on transcript NM_001267550.2 (MANE Select); coding-DNA position 90409, C replaced by T.
Protein change: p.Pro30137Ser; replaces proline 30137 with serine.
Molecular consequence: missense variant.
Genome position (GRCh38, 1-based): chr2:178,552,491, G>A on the plus strand (C>T on the coding strand, the complement: TTN is on the minus strand). VCF-style: chr2-178552491-G-A. GRCh37 (hg19) VCF-style: chr2-179417218-G-A.
Other names: c.82705C>T, p.Pro27569Ser (NM_133378.4); c.85486C>T, p.Pro28496Ser (NM_001256850.1); c.63214C>T, p.Pro21072Ser (NM_003319.4); c.63589C>T, p.Pro21197Ser (NM_133432.3); c.63790C>T, p.Pro21264Ser (NM_133437.4); short protein forms P27569S, P30137S, P21197S, P21264S, P21072S, P28496S.
Identifiers: ClinVar variation 179819 (VCV000179819.5), dbSNP rs727505150, ClinGen allele CA185206.

ClinVar aggregate classification (germline): Uncertain significance (1 of 4 stars; one submission).

Allele frequency attached by ClinVar (database versions not stated): gnomAD exomes below 0.00001.
gnomAD v4.1: 2 of 1,612,704 alleles (0.00012%); highest among the groups gnomAD compares: Non-Finnish European, 0.00017%; no homozygotes.

Submission:

Laboratory for Molecular Medicine, Mass General Brigham Personalized Medicine
Classification: Uncertain significance. Last evaluated: 2014-06-19. Review status: criteria provided, single submitter. Criteria: LMM Criteria. Collection method: clinical testing. Allele origin: germline. Observed: 1 variant allele.
Comment: The Pro27569Ser variant in TTN has not been previously reported in individuals w ith cardiomyopathy or in large population studies. Computational prediction tool s and conservation analysis do not provide strong support for or against an impa ct to the protein. In summary, the clinical significance of the Pro27569Ser vari ant is uncertain.